The following is an entry in ClinVar:

NM_004369.4(COL6A3):c.5085C>G (p.Asp1695Glu)

Gene: COL6A3 (collagen type VI alpha 3 chain; minus strand). Cytogenetic location: 2q37.3.
Variant type: single nucleotide variant.
Coding change: c.5085C>G on transcript NM_004369.4 (MANE Select); coding-DNA position 5085, C replaced by G.
Protein change: p.Asp1695Glu; replaces aspartic acid 1695 with glutamic acid.
Molecular consequence: missense variant.
Genome position (GRCh38, 1-based): chr2:237,367,102, G>C on the plus strand (C>G on the coding strand, the complement: COL6A3 is on the minus strand). VCF-style: chr2-237367102-G-C. GRCh37 (hg19) VCF-style: chr2-238275745-G-C.
Other names: c.3264C>G, p.Asp1088Glu (NM_057166.5); c.4467C>G, p.Asp1489Glu (NM_057167.4); short protein forms D1695E, D1489E, D1088E.
Identifiers: ClinVar variation 289449 (VCV000289449.6), dbSNP rs886044181, ClinGen allele CA10606449.

ClinVar aggregate classification (germline): Uncertain significance. Review status: criteria provided, multiple submitters, no conflicts (2 of 4 stars). 2 submissions from 2 submitters: Uncertain significance (2). Last evaluated 2024-05-20.

Conditions:
Bethlem myopathy 1A. Also called: Bethlem Muscular Dystrophy; MYOPATHY, BENIGN CONGENITAL, WITH CONTRACTURES; Bethlem myopathy 1. Identifiers: Orphanet 610, MedGen CN029274, MONDO:0024530, OMIM 158810.

Allele frequency attached by ClinVar (database versions not stated): TOPMed below 0.00001; gnomAD 0.00001.
gnomAD v4.1: 4 of 1,614,114 alleles (0.00025%); highest among the groups gnomAD compares: African/African-American, 0.0013%; no homozygotes.

Submissions (2):

Labcorp Genetics (formerly Invitae), Labcorp
Classification: Uncertain significance for Bethlem myopathy 1A. Last evaluated: 2024-05-20. Review status: criteria provided, single submitter. Criteria: Invitae Variant Classification Sherloc (09022015). Collection method: clinical testing. Allele origin: germline.
Comment: This sequence change replaces aspartic acid, which is acidic and polar, with glutamic acid, which is acidic and polar, at codon 1695 of the COL6A3 protein (p.Asp1695Glu). This variant is not present in population databases (gnomAD no frequency). This variant has not been reported in the literature in individuals affected with COL6A3-related conditions. ClinVar contains an entry for this variant (Variation ID: 289449). Advanced modeling of protein sequence and biophysical properties (such as structural, functional, and spatial information, amino acid conservation, physicochemical variation, residue mobility, and thermodynamic stability) performed at Invitae indicates that this missense variant is not expected to disrupt COL6A3 protein function with a negative predictive value of 80%. In summary, the available evidence is currently insufficient to determine the role of this variant in disease. Therefore, it has been classified as a Variant of Uncertain Significance.

Eurofins Ntd Llc (ga)
Classification: Uncertain significance. Last evaluated: 2017-03-29. Review status: criteria provided, single submitter. Criteria: EGL Classification Definitions 2015. Collection method: clinical testing. Allele origin: germline. Observed: 2 variant alleles, 2 heterozygotes.